The following is an entry in ClinVar:

ClinVar aggregate classification (germline): Uncertain significance (1 of 4 stars; one submission).

Conditions:
Mucopolysaccharidosis, MPS-III-B (MPS3B). Also called: N-ACETYL-ALPHA-D-GLUCOSAMINIDASE DEFICIENCY; NAGLU DEFICIENCY; SANFILIPPO SYNDROME B; MPS III B; MPS IIIB (Sanfilippo Syndrome Type B); MUCOPOLYSACCHARIDOSIS, TYPE IIIB. Identifiers: Orphanet 79270, MedGen C0086648, MONDO:0009656, OMIM 252920.
Charcot-Marie-Tooth disease axonal type 2V. Also called: CHARCOT-MARIE-TOOTH NEUROPATHY, TYPE 2V; CHARCOT-MARIE-TOOTH DISEASE, AXONAL, AUTOSOMAL DOMINANT, TYPE 2V. Identifiers: Orphanet 447964, MedGen C5569050, MONDO:0014665, OMIM 616491.

Allele frequency attached by ClinVar (database versions not stated): gnomAD exomes below 0.00001 and 0.00001; gnomAD 0.00002; TOPMed below 0.00001.
gnomAD v4.1: 19 of 1,612,038 alleles (0.0012%); highest among the groups gnomAD compares: South Asian, 0.0033%; no homozygotes.

Submission:

Labcorp Genetics (formerly Invitae), Labcorp
Classification: Uncertain significance for Charcot-Marie-Tooth disease axonal type 2V; Mucopolysaccharidosis, MPS-III-B. Last evaluated: 2025-05-11. Review status: criteria provided, single submitter. Criteria: Invitae Variant Classification Sherloc (09022015). Collection method: clinical testing. Allele origin: germline.
Comment: This sequence change replaces arginine, which is basic and polar, with glutamine, which is neutral and polar, at codon 520 of the NAGLU protein (p.Arg520Gln). The frequency data for this variant in the population databases is considered unreliable, as metrics indicate poor data quality at this position in the gnomAD database. This variant has not been reported in the literature in individuals affected with NAGLU-related conditions. ClinVar contains an entry for this variant (Variation ID: 1442810). Invitae Evidence Modeling of protein sequence and biophysical properties (such as structural, functional, and spatial information, amino acid conservation, physicochemical variation, residue mobility, and thermodynamic stability) has been performed for this missense variant. However, the output from this modeling did not meet the statistical confidence thresholds required to predict the impact of this variant on NAGLU protein function. This variant disrupts the p.Arg520 amino acid residue in NAGLU. Other variant(s) that disrupt this residue have been determined to be pathogenic (PMID: 11153910, 16151907, 27590925). This suggests that this residue is clinically significant, and that variants that disrupt this residue are likely to be disease-causing. In summary, the available evidence is currently insufficient to determine the role of this variant in disease. Therefore, it has been classified as a Variant of Uncertain Significance.

Literature cited by the submitters: PubMed 11153910; PubMed 16151907; PubMed 27590925.

NM_000263.4(NAGLU):c.1559G>A (p.Arg520Gln)

Gene: NAGLU (N-acetyl-alpha-glucosaminidase; plus strand). Cytogenetic location: 17q21.2.
Variant type: single nucleotide variant.
Coding change: c.1559G>A on transcript NM_000263.4 (MANE Select); coding-DNA position 1559, G replaced by A.
Protein change: p.Arg520Gln; replaces arginine 520 with glutamine.
Molecular consequence: missense variant.
Genome position (GRCh38, 1-based): chr17:42,543,565, G>A. VCF-style: chr17-42543565-G-A. GRCh37 (hg19) VCF-style: chr17-40695583-G-A.
Other names: short protein forms R520Q.
Identifiers: ClinVar variation 1442810 (VCV001442810.6), dbSNP rs1207098238, ClinGen allele CA399604171.